The following is an entry in ClinVar:

NM_033629.6(TREX1):c.-11C>G

Genes: ATRIP (ATR interacting protein; plus strand), ATRIP-TREX1 (ATRIP-TREX1 readthrough; plus strand), TREX1 (three prime repair exonuclease 1; plus strand). Cytogenetic location: 3p21.31.
Variant type: single nucleotide variant.
Coding change: c.-11C>G on transcript NM_033629.6 (MANE Select); 11 bases upstream of the start codon, C replaced by G.
Molecular consequence: 5 prime UTR variant. On other transcripts: non-coding transcript variant (1), 3 prime UTR variant (4), intron variant (1).
Genome position (GRCh38, 1-based): chr3:48,466,645, C>G. VCF-style: chr3-48466645-C-G. GRCh37 (hg19) VCF-style: chr3-48508044-C-G.
Other names: c.*1091C>G (NM_001271022.2, NM_001271023.2, NM_032166.4 and 1 more transcripts); c.-18-23C>G (NM_007248.5).
Identifiers: ClinVar variation 4848713 (VCV004848713.1).

ClinVar aggregate classification (germline): Uncertain significance (1 of 4 stars; one submission).

Submission:

Women's Health and Genetics/Laboratory Corporation of America, LabCorp
Classification: Uncertain significance. Last evaluated: 2026-04-09. Review status: criteria provided, single submitter. Criteria: LabCorp Variant Classification Summary - May 2015. Collection method: clinical testing. Allele origin: germline.
Comment: Variant summary: TREX1 c.-11C>G is located in the untranslated mRNA region upstream of the initiation codon. The variant allele was found at a frequency of 6.4e-05 in 250588 control chromosomes. This frequency is not significantly higher than estimated for disease-causing variants in TREX1, allowing no conclusion about variant significance. To our knowledge, no occurrence of c.-11C>G in individuals affected with TREX1-related conditions and no experimental evidence demonstrating its impact on protein function have been reported. No submitters have cited clinical-significance assessments for this variant to ClinVar. Based on the evidence outlined above, the variant was classified as uncertain significance.